The following is an entry in ClinVar:

NM_002691.4(POLD1):c.1999C>T (p.Arg667Trp)

Gene: POLD1 (DNA polymerase delta 1, catalytic subunit; plus strand). Cytogenetic location: 19q13.33.
Variant type: single nucleotide variant.
Coding change: c.1999C>T on transcript NM_002691.4 (MANE Select); coding-DNA position 1999, C replaced by T.
Protein change: p.Arg667Trp; replaces arginine 667 with tryptophan.
Molecular consequence: missense variant. On other transcripts: non-coding transcript variant (1).
Genome position (GRCh38, 1-based): chr19:50,409,228, C>T. VCF-style: chr19-50409228-C-T. GRCh37 (hg19) VCF-style: chr19-50912485-C-T.
Other names: c.1999C>T (NM_002691.2); c.1999C>T, p.Arg667Trp (NM_001256849.1); c.2077C>T, p.Arg693Trp (NM_001308632.1); short protein forms R667W, R693W.
Identifiers: ClinVar variation 1309887 (VCV001309887.4), dbSNP rs2122377839, ClinGen allele CA406982405.

ClinVar aggregate classification (germline): Uncertain significance. Review status: criteria provided, multiple submitters, no conflicts (2 of 4 stars). 2 submissions from 2 submitters: Uncertain significance (2). Last evaluated 2024-11-08.

Conditions:
Hereditary cancer-predisposing syndrome. Also called: Tumor predisposition; Neoplastic Syndromes, Hereditary; Hereditary Cancer Syndrome; Hereditary neoplastic syndrome. Identifiers: Orphanet 140162, MedGen C0027672, MeSH D009386, MONDO:0015356.

Submissions (2):

Ambry Genetics
Classification: Uncertain significance for Hereditary cancer-predisposing syndrome. Last evaluated: 2024-11-08. Review status: criteria provided, single submitter. Criteria: Ambry Variant Classification Scheme 2023. Collection method: clinical testing. Allele origin: germline.
Comment: The p.R667W variant (also known as c.1999C>T), located in coding exon 15 of the POLD1 gene, results from a C to T substitution at nucleotide position 1999. The arginine at codon 667 is replaced by tryptophan, an amino acid with dissimilar properties. This amino acid position is highly conserved in available vertebrate species. In addition, this alteration is predicted to be deleterious by in silico analysis. Based on the available evidence, the clinical significance of this variant remains unclear.

GeneDx
Classification: Uncertain significance. Last evaluated: 2022-03-25. Review status: criteria provided, single submitter. Criteria: GeneDx Variant Classification Process June 2021. Collection method: clinical testing. Allele origin: germline. Affected: yes.
Comment: Not observed in large population cohorts (gnomAD); In silico analysis, which includes protein predictors and evolutionary conservation, supports a deleterious effect; This variant is associated with the following publications: (PMID: 34539671)